The following is an entry in ClinVar:

NM_001172509.2(SATB2):c.282_289dup (p.Val97fs)

Gene: SATB2 (SATB homeobox 2; minus strand). Cytogenetic location: 2q33.1.
Variant type: Duplication.
Coding change: c.282_289dup on transcript NM_001172509.2 (MANE Select); coding-DNA positions 282 to 289, 8 bases duplicated (CCAGCTGG; older notation c.282_289dupCCAGCTGG).
Protein change: p.Val97fs; shifts the reading frame from valine 97.
Molecular consequence: frameshift variant. On other transcripts: non-coding transcript variant (1).
Genome position (GRCh38, 1-based): chr2:199,433,395-199,433,402, CCAGCTGG duplicated on the plus strand (CCAGCTGG on the coding strand, the reverse complement: SATB2 is on the minus strand); duplicating any 8 consecutive bases within chr2:199,433,395-199,433,403 gives the same sequence; the c. name uses the placement nearest the transcript's 3' end. VCF-style (leftmost placement, unchanged base first): chr2-199433394-A-ACCAGCTGG. GRCh37 (hg19) VCF-style: chr2-200298117-A-ACCAGCTGG.
Other names: c.282_289dup, p.Val97fs (NM_001172517.1, NM_015265.4); short protein forms V97fs.
Identifiers: ClinVar variation 1453490 (VCV001453490.6), dbSNP rs2105928888, ClinGen allele CA2573134305.

ClinVar aggregate classification (germline): Pathogenic (1 of 4 stars; one submission).

Conditions:
Chromosome 2q32-q33 deletion syndrome (GLASS). Also called: Glass syndrome; 2q33.1 deletion syndrome. Identifiers: Orphanet 251019, MedGen C2676739, MONDO:0012864, OMIM 612313.

Submission:

Labcorp Genetics (formerly Invitae), Labcorp
Classification: Pathogenic for Chromosome 2q32-q33 deletion syndrome. Last evaluated: 2020-10-25. Review status: criteria provided, single submitter. Criteria: Invitae Variant Classification Sherloc (09022015). Collection method: clinical testing. Allele origin: germline.
Comment: For these reasons, this variant has been classified as Pathogenic. This variant has not been reported in the literature in individuals with SATB2-related conditions. This variant is not present in population databases (ExAC no frequency). This sequence change creates a premature translational stop signal (p.Val97Alafs*24) in the SATB2 gene. It is expected to result in an absent or disrupted protein product. Loss-of-function variants in SATB2 are known to be pathogenic (PMID: 25885067).

Literature cited by the submitters: PubMed 25885067.